The following is an entry in ClinVar:

NM_017612.5(ZCCHC8):c.1965A>C (p.Lys655Asn)

Gene: ZCCHC8 (zinc finger CCHC-type containing 8; minus strand). Cytogenetic location: 12q24.31.
Variant type: single nucleotide variant.
Coding change: c.1965A>C on transcript NM_017612.5 (MANE Select); coding-DNA position 1965, A replaced by C.
Protein change: p.Lys655Asn; replaces lysine 655 with asparagine.
Molecular consequence: missense variant.
Genome position (GRCh38, 1-based): chr12:122,473,656, T>G on the plus strand (A>C on the coding strand, the complement: ZCCHC8 is on the minus strand). VCF-style: chr12-122473656-T-G. GRCh37 (hg19) VCF-style: chr12-122958203-T-G.
Other names: c.1734A>C, p.Lys578Asn (NM_001350935.2); c.1668A>C, p.Lys556Asn (NM_001350936.2); c.1251A>C, p.Lys417Asn (NM_001350937.2, NM_001350938.2); short protein forms K417N, K578N, K556N, K655N.
Identifiers: ClinVar variation 1966205 (VCV001966205.5), dbSNP rs1243208600, ClinGen allele CA387047286.

ClinVar aggregate classification (germline): Uncertain significance (1 of 4 stars; one submission).

Allele frequency attached by ClinVar (database versions not stated): gnomAD exomes below 0.00001; TOPMed below 0.00001; gnomAD 0.00001.
gnomAD v4.1: 5 of 1,613,798 alleles (0.00031%); highest among the groups gnomAD compares: Non-Finnish European, 0.00042%; no homozygotes.

Submission:

Labcorp Genetics (formerly Invitae), Labcorp
Classification: Uncertain significance. Last evaluated: 2022-09-21. Review status: criteria provided, single submitter. Criteria: Invitae Variant Classification Sherloc (09022015). Collection method: clinical testing. Allele origin: germline.
Comment: In summary, the available evidence is currently insufficient to determine the role of this variant in disease. Therefore, it has been classified as a Variant of Uncertain Significance. Advanced modeling of protein sequence and biophysical properties (such as structural, functional, and spatial information, amino acid conservation, physicochemical variation, residue mobility, and thermodynamic stability) performed at Invitae indicates that this missense variant is not expected to disrupt ZCCHC8 protein function. This variant has not been reported in the literature in individuals affected with ZCCHC8-related conditions. This variant is not present in population databases (gnomAD no frequency). This sequence change replaces lysine, which is basic and polar, with asparagine, which is neutral and polar, at codon 655 of the ZCCHC8 protein (p.Lys655Asn).